The following is an entry in ClinVar:

NM_001366385.1(CARD14):c.1820T>C (p.Met607Thr)

Gene: CARD14 (caspase recruitment domain family member 14; plus strand). Cytogenetic location: 17q25.3.
Variant type: single nucleotide variant.
Coding change: c.1820T>C on transcript NM_001366385.1 (MANE Select); coding-DNA position 1820, T replaced by C.
Protein change: p.Met607Thr; replaces methionine 607 with threonine.
Molecular consequence: missense variant. On other transcripts: non-coding transcript variant (1).
Genome position (GRCh38, 1-based): chr17:80,198,560, T>C. VCF-style: chr17-80198560-T-C. GRCh37 (hg19) VCF-style: chr17-78172359-T-C.
Other names: c.1820T>C, p.Met607Thr (NM_001257970.1, NM_024110.4); c.1109T>C, p.Met370Thr (NM_052819.3); short protein forms M607T, M370T.
Identifiers: ClinVar variation 2930226 (VCV002930226.3), dbSNP rs1332338369, ClinGen allele CA401351380.

ClinVar aggregate classification (germline): Uncertain significance (1 of 4 stars; one submission).

Conditions:
Pityriasis rubra pilaris (PRP). Also called: Pityriasis rubra pilaris--familial type. Identifiers: Orphanet 2897, MedGen C0032027, MONDO:0100017, OMIM 173200, MONDO:0008251.
Psoriasis 2. Identifiers: MedGen C1864497, MONDO:0011269, OMIM 602723.

Allele frequency attached by ClinVar (database versions not stated): TOPMed below 0.00001; gnomAD 0.00001; gnomAD exomes 0.00001.
gnomAD v4.1: 13 of 1,612,818 alleles (0.00081%); highest among the groups gnomAD compares: East Asian, 0.0022%; no homozygotes.

Submission:

Labcorp Genetics (formerly Invitae), Labcorp
Classification: Uncertain significance for Pityriasis rubra pilaris; Psoriasis 2. Last evaluated: 2024-05-19. Review status: criteria provided, single submitter. Criteria: Invitae Variant Classification Sherloc (09022015). Collection method: clinical testing. Allele origin: germline.
Comment: This sequence change replaces methionine, which is neutral and non-polar, with threonine, which is neutral and polar, at codon 607 of the CARD14 protein (p.Met607Thr). This variant is not present in population databases (gnomAD no frequency). This variant has not been reported in the literature in individuals affected with CARD14-related conditions. Advanced modeling of protein sequence and biophysical properties (such as structural, functional, and spatial information, amino acid conservation, physicochemical variation, residue mobility, and thermodynamic stability) performed at Invitae indicates that this missense variant is expected to disrupt CARD14 protein function with a positive predictive value of 80%. In summary, the available evidence is currently insufficient to determine the role of this variant in disease. Therefore, it has been classified as a Variant of Uncertain Significance.